The following is an entry in ClinVar:

ClinVar aggregate classification (germline): Uncertain significance (1 of 4 stars; one submission).

Conditions:
Hereditary cancer-predisposing syndrome. Also called: Tumor predisposition; Hereditary neoplastic syndrome; Hereditary Cancer Syndrome; Neoplastic Syndromes, Hereditary. Identifiers: Orphanet 140162, MedGen C0027672, MeSH D009386, MONDO:0015356.

Submission:

Ambry Genetics
Classification: Uncertain significance for Hereditary cancer-predisposing syndrome. Last evaluated: 2025-05-05. Review status: criteria provided, single submitter. Criteria: Ambry Variant Classification Scheme 2023. Collection method: clinical testing. Allele origin: germline.
Comment: The c.2944delG variant, located in coding exon 25 of the TSC2 gene, results from a deletion of one nucleotide at nucleotide position 2944, causing a translational frameshift with a predicted alternate stop codon (p.V982Cfs*34). This alteration is expected to result in loss of function by premature protein truncation or nonsense-mediated mRNA decay. However, this variant occurs in an exon that is absent in biologically relevant transcripts (Ekong R et al. Hum. Mutat. 2016 Apr; 37:362-70). Based on the available evidence, the clinical significance of this alteration remains unclear.

NM_000548.5(TSC2):c.2944del (p.Val982fs)

Gene: TSC2 (TSC complex subunit 2; plus strand). Cytogenetic location: 16p13.3.
Variant type: Deletion.
Coding change: c.2944del on transcript NM_000548.5 (MANE Select); coding-DNA position 2944, one base deleted (G; older notation c.2944delG).
Protein change: p.Val982fs; shifts the reading frame from valine 982.
Molecular consequence: frameshift variant. On other transcripts: intron variant (31).
Genome position (GRCh38, 1-based): chr16:2,077,704, G deleted. VCF-style (leftmost placement, unchanged base first): chr16-2077703-TG-T. GRCh37 (hg19) VCF-style: chr16-2127704-TG-T.
Other names: c.2944del, p.Val982fs (NM_001114382.3, NM_001406663.1, NM_001406664.1); c.2833del, p.Val945fs (NM_001406670.1); c.2797del, p.Val933fs (NM_001406675.1, NM_001406676.1); c.2344del, p.Val782fs (NM_001406680.1, NM_001406682.1, NM_001406683.1 and 1 more transcripts); c.1600del, p.Val534fs (NM_001406689.1); c.1493+1119del (NM_001406693.1, NM_001406690.1, NM_001406692.1 and 5 more transcripts); c.2927+1119del (NM_001406667.1, NM_001406668.1); c.2237+1119del (NM_001406687.1, NM_001406685.1, NM_001318831.2 and 2 more transcripts); and 8 more; short protein forms V933fs, V945fs, V982fs, V782fs, V534fs.
Identifiers: ClinVar variation 3974629 (VCV003974629.1).